The following is an entry in ClinVar:

ClinVar aggregate classification (germline): Likely benign. Review status: criteria provided, multiple submitters, no conflicts (2 of 4 stars). 2 submissions from 2 submitters: Likely benign (2). Last evaluated 2026-02-01.

gnomAD v4.1: 643 of 1,614,022 alleles (0.04%); highest among the groups gnomAD compares: Non-Finnish European, 0.037%; no homozygotes.

Submissions (2):

CeGaT Center for Human Genetics Tuebingen
Classification: Likely benign. Last evaluated: 2026-02-01. Review status: criteria provided, single submitter. Criteria: CeGaT Center For Human Genetics Tuebingen Variant Classification Criteria Version 2. Collection method: clinical testing. Allele origin: germline. Affected: yes. Observed: 1 variant allele.
Comment: CHD5: BP4, BP7

Blueprint Genetics
Classification: Likely benign. Last evaluated: 2024-11-22. Review status: criteria provided, single submitter. Criteria: ACMG Guidelines, 2015. Collection method: clinical testing. Allele origin: germline.

NM_015557.3(CHD5):c.4860G>A (p.Glu1620=)

Gene: CHD5 (chromodomain helicase DNA binding protein 5; minus strand). Cytogenetic location: 1p36.31.
Variant type: single nucleotide variant.
Coding change: c.4860G>A on transcript NM_015557.3 (MANE Select); coding-DNA position 4860, G replaced by A.
Protein change: p.Glu1620=; no amino-acid change (glutamic acid 1620 retained).
Molecular consequence: synonymous variant.
Genome position (GRCh38, 1-based): chr1:6,121,157, C>T on the plus strand (G>A on the coding strand, the complement: CHD5 is on the minus strand). VCF-style: chr1-6121157-C-T. GRCh37 (hg19) VCF-style: chr1-6181217-C-T.
Identifiers: ClinVar variation 4821126 (VCV004821126.5).